The following is an entry in ClinVar:

NM_000384.3(APOB):c.9021G>A (p.Met3007Ile)

Gene: APOB (apolipoprotein B; minus strand). Cytogenetic location: 2p24.1.
Variant type: single nucleotide variant.
Coding change: c.9021G>A on transcript NM_000384.3 (MANE Select); coding-DNA position 9021, G replaced by A.
Protein change: p.Met3007Ile; replaces methionine 3007 with isoleucine.
Molecular consequence: missense variant.
Genome position (GRCh38, 1-based): chr2:21,007,847, C>T on the plus strand (G>A on the coding strand, the complement: APOB is on the minus strand). VCF-style: chr2-21007847-C-T. GRCh37 (hg19) VCF-style: chr2-21230719-C-T.
Other names: short protein forms M3007I.
Identifiers: ClinVar variation 1765519 (VCV001765519.2), dbSNP rs1245621355, ClinGen allele CA345992612.
Genomic context (GRCh38, chr2:21,007,847, plus strand): 5'-TCCATTTAAATGAGCATCATGCCTCCCAGTAAACTCTGCCTTCCCTTCTCCAAACAGTGC[C>T]ATGCCTTTAGCAGTTAGAACACTGTGGCCCACATGCTGGGAATCGACTTGTGATTGAATT-3'
Protein context (NP_000375.3, residues 2997-3017): VGHSVLTAKG[Met3007Ile]ALFGEGKAEF

ClinVar aggregate classification (germline): Uncertain significance (1 of 4 stars; one submission).

Conditions:
Cardiovascular phenotype. Identifiers: MedGen CN230736.

Allele frequency attached by ClinVar (database versions not stated): TOPMed below 0.00001.

Submission:

Ambry Genetics
Classification: Uncertain significance for Cardiovascular phenotype. Last evaluated: 2022-10-11. Review status: criteria provided, single submitter. Criteria: Ambry Variant Classification Scheme 2023. Collection method: clinical testing. Allele origin: germline.
Comment: The p.M3007I variant (also known as c.9021G>A), located in coding exon 26 of the APOB gene, results from a G to A substitution at nucleotide position 9021. The methionine at codon 3007 is replaced by isoleucine, an amino acid with highly similar properties. This amino acid position is conserved. In addition, this alteration is predicted to be tolerated by in silico analysis. Since supporting evidence is limited at this time, the clinical significance of this alteration remains unclear.